The following is an entry in ClinVar:

NM_004519.4(KCNQ3):c.1006T>C (p.Phe336Leu)

Gene: KCNQ3 (potassium voltage-gated channel subfamily Q member 3; minus strand). Cytogenetic location: 8q24.22.
Variant type: single nucleotide variant.
Coding change: c.1006T>C on transcript NM_004519.4 (MANE Select); coding-DNA position 1006, T replaced by C.
Protein change: p.Phe336Leu; replaces phenylalanine 336 with leucine.
Molecular consequence: missense variant.
Genome position (GRCh38, 1-based): chr8:132,174,277, A>G on the plus strand (T>C on the coding strand, the complement: KCNQ3 is on the minus strand). VCF-style: chr8-132174277-A-G. GRCh37 (hg19) VCF-style: chr8-133186524-A-G.
Other names: c.646T>C, p.Phe216Leu (NM_001204824.2); short protein forms F216L, F336L.
Identifiers: ClinVar variation 4741861 (VCV004741861.1).

ClinVar aggregate classification (germline): Uncertain significance (1 of 4 stars; one submission).

Conditions:
Benign neonatal seizures. Also called: Benign neonatal familial convulsions; Convulsions benign familial neonatal dominant form; Autosomal dominant form of benign neonatal seizures; Benign familial neonatal seizures; Benign familial neonatal epilepsy. Identifiers: Orphanet 1949, MedGen C0220669, MONDO:0016027.

Submission:

Labcorp Genetics (formerly Invitae), Labcorp
Classification: Uncertain significance for Benign neonatal seizures. Last evaluated: 2025-07-15. Review status: criteria provided, single submitter. Criteria: Invitae Variant Classification Sherloc (09022015). Collection method: clinical testing. Allele origin: germline.
Comment: This sequence change replaces phenylalanine, which is neutral and non-polar, with leucine, which is neutral and non-polar, at codon 336 of the KCNQ3 protein (p.Phe336Leu). This variant is not present in population databases (gnomAD no frequency). This variant has not been reported in the literature in individuals affected with KCNQ3-related conditions. Invitae Evidence Modeling of protein sequence and biophysical properties (such as structural, functional, and spatial information, amino acid conservation, physicochemical variation, residue mobility, and thermodynamic stability) indicates that this missense variant is not expected to disrupt KCNQ3 protein function with a negative predictive value of 80%. In summary, the available evidence is currently insufficient to determine the role of this variant in disease. Therefore, it has been classified as a Variant of Uncertain Significance.